The following is an entry in ClinVar:

ClinVar aggregate classification (germline): Likely benign. Review status: criteria provided, single submitter (1 of 4 stars). 2 submissions from 2 submitters: Likely benign (1). 1 of the submissions does not count toward it. Last evaluated 2025-09-01.

Conditions:
PMFBP1-related disorder. Also called: PMFBP1-related condition.

Allele frequency attached by ClinVar (database versions not stated): 1000 Genomes Project 0.00140; 1000 Genomes Project 30x 0.00203; gnomAD 0.00380; ESP Exome Variant Server 0.00416; TOPMed 0.00515.
gnomAD v4.1: 7,536 of 1,614,192 alleles (0.47%); highest among the groups gnomAD compares: Non-Finnish European, 0.57%; 21 homozygotes.

Submissions (7):

CeGaT Center for Human Genetics Tuebingen
Classification: Likely benign. Last evaluated: 2025-09-01. Review status: criteria provided, single submitter. Criteria: CeGaT Center For Human Genetics Tuebingen Variant Classification Criteria Version 2. Collection method: clinical testing. Allele origin: germline. Affected: yes. Observed: 2 variant alleles.
Comment: PMFBP1: BP4, BS2

PreventionGenetics, part of Exact Sciences
Classification: Likely benign for PMFBP1-related condition. Last evaluated: 2022-05-12. Review status: no assertion criteria provided. Collection method: clinical testing. Allele origin: germline. Not counted in ClinVar's aggregate classification.
Comment: This variant is classified as likely benign based on ACMG/AMP sequence variant interpretation guidelines (Richards et al. 2015 PMID: 25741868, with internal and published modifications).

Dr. Peter K. Rogan Lab, Western University
No classification provided (evidence only). Condition: Clear cell carcinoma of kidney. Review status: no classification provided. Collection method: in vitro. Allele origin: not applicable. Functional consequence: skipped exon. Not counted in ClinVar's aggregate classification.

Dr. Peter K. Rogan Lab, Western University
No classification provided (evidence only). Condition: Uterine corpus endometrial carcinoma. Review status: no classification provided. Collection method: in vitro. Allele origin: not applicable. Functional consequence: retained intron. Not counted in ClinVar's aggregate classification.

Dr. Peter K. Rogan Lab, Western University
No classification provided (evidence only). Condition: Ovarian serous cystadenocarcinoma. Review status: no classification provided. Collection method: in vitro. Allele origin: not applicable. Functional consequence: retained intron. Not counted in ClinVar's aggregate classification.

Dr. Peter K. Rogan Lab, Western University
No classification provided (evidence only). Condition: Gastric cancer. Review status: no classification provided. Collection method: in vitro. Allele origin: not applicable. Functional consequence: retained intron. Not counted in ClinVar's aggregate classification.

Dr. Peter K. Rogan Lab, Western University
No classification provided (evidence only). Condition: Malignant tumor of esophagus. Review status: no classification provided. Collection method: in vitro. Allele origin: not applicable. Functional consequence: skipped exon. Not counted in ClinVar's aggregate classification.

NM_031293.3(PMFBP1):c.1654C>G (p.Leu552Val)

Gene: PMFBP1 (polyamine modulated factor 1 binding protein 1; minus strand). Cytogenetic location: 16q22.2.
Variant type: single nucleotide variant.
Coding change: c.1654C>G on transcript NM_031293.3 (MANE Select); coding-DNA position 1654, C replaced by G.
Protein change: p.Leu552Val; replaces leucine 552 with valine.
Molecular consequence: missense variant.
Genome position (GRCh38, 1-based): chr16:72,130,341, G>C on the plus strand (C>G on the coding strand, the complement: PMFBP1 is on the minus strand). VCF-style: chr16-72130341-G-C. GRCh37 (hg19) VCF-style: chr16-72164240-G-C.
Other names: NC_000016.9:g.72164240G>C; c.1219C>G, p.Leu407Val (NM_001160213.2); short protein forms L407V, L552V.
Identifiers: ClinVar variation 3050517 (VCV003050517.10), dbSNP rs144092086, ClinGen allele CA8161622.